The following is an entry in ClinVar:

NM_004530.6(MMP2):c.1622G>T (p.Trp541Leu)

Gene: MMP2 (matrix metallopeptidase 2; plus strand). Cytogenetic location: 16q12.2.
Variant type: single nucleotide variant.
Coding change: c.1622G>T on transcript NM_004530.6 (MANE Select); coding-DNA position 1622, G replaced by T.
Protein change: p.Trp541Leu; replaces tryptophan 541 with leucine.
Molecular consequence: missense variant.
Genome position (GRCh38, 1-based): chr16:55,498,301, G>T. VCF-style: chr16-55498301-G-T. GRCh37 (hg19) VCF-style: chr16-55532213-G-T.
Other names: c.1472G>T, p.Trp491Leu (NM_001127891.3); c.1394G>T, p.Trp465Leu (NM_001302508.1, NM_001302509.2, NM_001302510.2); short protein forms W465L, W541L, W491L.
Identifiers: ClinVar variation 1512690 (VCV001512690.8), dbSNP rs2142367615, ClinGen allele CA395937667.
Genomic context (GRCh38, chr16:55,498,301, plus strand): 5'-CCTAGGGCATGTCAGCACCAGCCAACACACCCTTTGCTTCCACCCCAGGGAATGAATACT[G>T]GATCTACTCAGCCAGCACCCTGGAGCGAGGGTACCCCAAGCCACTGACCAGCCTGGGACT-3'
Protein context (NP_004521.1, residues 531-551): KAVFFAGNEY[Trp541Leu]IYSASTLERG

ClinVar aggregate classification (germline): Uncertain significance (1 of 4 stars; one submission).

Allele frequency attached by ClinVar (database versions not stated): gnomAD exomes below 0.00001.
gnomAD v4.1: 1 of 1,614,170 alleles (0.000062%); highest among the groups gnomAD compares: Non-Finnish European, 0.000085%; no homozygotes.

Submission:

Labcorp Genetics (formerly Invitae), Labcorp
Classification: Uncertain significance. Last evaluated: 2023-08-30. Review status: criteria provided, single submitter. Criteria: Invitae Variant Classification Sherloc (09022015). Collection method: clinical testing. Allele origin: germline.
Comment: In summary, the available evidence is currently insufficient to determine the role of this variant in disease. Therefore, it has been classified as a Variant of Uncertain Significance. Advanced modeling of protein sequence and biophysical properties (such as structural, functional, and spatial information, amino acid conservation, physicochemical variation, residue mobility, and thermodynamic stability) performed at Invitae indicates that this missense variant is not expected to disrupt MMP2 protein function. ClinVar contains an entry for this variant (Variation ID: 1512690). This variant has not been reported in the literature in individuals affected with MMP2-related conditions. This variant is not present in population databases (gnomAD no frequency). This sequence change replaces tryptophan, which is neutral and slightly polar, with leucine, which is neutral and non-polar, at codon 541 of the MMP2 protein (p.Trp541Leu).